The following is an entry in ClinVar:

ClinVar aggregate classification (germline): Likely pathogenic (1 of 4 stars; one submission).

Conditions:
Nemaline myopathy 2 (NEM2). Also called: Nemaline myopathy 2, autosomal recessive. Identifiers: MedGen C1850569, MONDO:0009725, OMIM 256030.

Submission:

Natera, Inc.
Classification: Likely pathogenic for Nemaline myopathy type 2. Last evaluated: 2025-02-17. Review status: criteria provided, single submitter. Criteria: Natera Variant Classification Schema (03/2026). Collection method: clinical testing. Allele origin: germline.
Comment: The c.1003del variant in NEB is a frameshift variant predicted to shift the reading frame and introduce a stop codon. This variant is expected to result in nonsense mediated decay, truncation, or a dysfunctional protein product. This variant is rare in the general population with a frequency below the threshold expected for the associated phenotype(s). Given the available evidence, this variant is classified as Likely Pathogenic.

NM_001164508.2(NEB):c.1003del (p.Lys334_Met335insTer)

Gene: NEB (nebulin; minus strand). Cytogenetic location: 2q23.3.
Variant type: Deletion.
Coding change: c.1003del on transcript NM_001164508.2 (MANE Select); coding-DNA position 1003, one base deleted (A; older notation c.1003delA).
Protein change: p.Lys334_Met335insTer.
Molecular consequence: nonsense. On other transcripts: frameshift variant (1).
Genome position (GRCh38, 1-based): chr2:151,709,688, T deleted on the plus strand (A on the coding strand, the reverse complement: NEB is on the minus strand); the first of 4 consecutive T bases (chr2:151,709,688-151,709,691); deleting any one gives the same sequence. VCF-style (leftmost placement, unchanged base first): chr2-151709687-AT-A. GRCh37 (hg19) VCF-style: chr2-152566201-AT-A.
Other names: c.1003del, p.Lys334_Met335insTer (NM_001164507.2, NM_001271208.2, NM_004543.5); c.1000delA, p.Met335Terfs (NM_001271208.1).
Identifiers: ClinVar variation 4058743 (VCV004058743.2).
Genomic context (GRCh38, chr2:151,709,687, plus strand): 5'-TCAAGATAAATGGGATGATTTCCTCATACCTTGCTAGCTGCCACACCAGCTTTTTTATTC[AT>A]TTTATACTCTGGTGTTTCGGTCTGCATGAAGTAGATCTGGTCTTTCATGTTTTCAAAATC-3'